The following is an entry in ClinVar:

ClinVar aggregate classification (germline): Uncertain significance (1 of 4 stars; one submission).

Submission:

Labcorp Genetics (formerly Invitae), Labcorp
Classification: Uncertain significance. Last evaluated: 2025-09-03. Review status: criteria provided, single submitter. Criteria: Invitae Variant Classification Sherloc (09022015). Collection method: clinical testing. Allele origin: germline.
Comment: This sequence change replaces arginine, which is basic and polar, with cysteine, which is neutral and slightly polar, at codon 2337 of the ZDBF2 protein (p.Arg2337Cys). This variant is present in population databases (rs577723037, gnomAD 0.005%). This variant has not been reported in the literature in individuals affected with ZDBF2-related conditions. An algorithm developed to predict the effect of missense changes on protein structure and function outputs the following: PolyPhen-2: "Benign". The cysteine amino acid residue is found in multiple mammalian species, which suggests that this missense change does not adversely affect protein function. In summary, the available evidence is currently insufficient to determine the role of this variant in disease. Therefore, it has been classified as a Variant of Uncertain Significance.

NM_020923.3(ZDBF2):c.7009C>T (p.Arg2337Cys)

Gene: ZDBF2 (zinc finger DBF-type containing 2; plus strand). Cytogenetic location: 2q33.3.
Variant type: single nucleotide variant.
Coding change: c.7009C>T on transcript NM_020923.3 (MANE Select); coding-DNA position 7009, C replaced by T.
Protein change: p.Arg2337Cys; replaces arginine 2337 with cysteine.
Molecular consequence: missense variant.
Genome position (GRCh38, 1-based): chr2:206,311,537, C>T. VCF-style: chr2-206311537-C-T. GRCh37 (hg19) VCF-style: chr2-207176261-C-T.
Other names: c.7003C>T, p.Arg2335Cys (NM_001285549.2); c.7009C>T, p.Arg2337Cys (NM_001369654.1); short protein forms R2337C, R2335C.
Identifiers: ClinVar variation 4769365 (VCV004769365.1).